The following is an entry in ClinVar:

ClinVar aggregate classification (germline): Uncertain significance. Review status: criteria provided, single submitter (1 of 4 stars). 2 submissions from 2 submitters: Uncertain significance (1). 1 of the submissions does not count toward it. Last evaluated 2026-01-19.

Conditions:
Glycogen storage disease type III (GSD3). Also called: Cori disease; FORBES DISEASE. Identifiers: Orphanet 366, MedGen C0017922, MONDO:0009291, OMIM 232400.

Allele frequency attached by ClinVar (database versions not stated): ExAC 0.00001; gnomAD exomes 0.00001 and 0.00002; TOPMed 0.00002.
gnomAD v4.1: 7 of 1,613,236 alleles (0.00043%); highest among the groups gnomAD compares: Admixed American, 0.01%; no homozygotes.

Submissions (2):

Labcorp Genetics (formerly Invitae), Labcorp
Classification: Uncertain significance for Glycogen storage disease type III. Last evaluated: 2026-01-19. Review status: criteria provided, single submitter. Criteria: Invitae Variant Classification Sherloc (09022015). Collection method: clinical testing. Allele origin: germline.
Comment: This sequence change replaces isoleucine, which is neutral and non-polar, with valine, which is neutral and non-polar, at codon 796 of the AGL protein (p.Ile796Val). This variant is present in population databases (rs754127029, gnomAD 0.02%). This variant has not been reported in the literature in individuals affected with AGL-related conditions. ClinVar contains an entry for this variant (Variation ID: 945863). Invitae Evidence Modeling of protein sequence and biophysical properties (such as structural, functional, and spatial information, amino acid conservation, physicochemical variation, residue mobility, and thermodynamic stability) indicates that this missense variant is not expected to disrupt AGL protein function with a negative predictive value of 80%. In summary, the available evidence is currently insufficient to determine the role of this variant in disease. Therefore, it has been classified as a Variant of Uncertain Significance.

Natera, Inc.
Classification: Uncertain significance for Glycogen storage disease type III. Last evaluated: 2021-01-28. Review status: no assertion criteria provided. Collection method: clinical testing. Allele origin: germline. Not counted in ClinVar's aggregate classification.

NM_000642.3(AGL):c.2386A>G (p.Ile796Val)

Gene: AGL (amylo-alpha-1,6-glucosidase and 4-alpha-glucanotransferase; plus strand). Cytogenetic location: 1p21.2.
Variant type: single nucleotide variant.
Coding change: c.2386A>G on transcript NM_000642.3 (MANE Select); coding-DNA position 2386, A replaced by G.
Protein change: p.Ile796Val; replaces isoleucine 796 with valine.
Molecular consequence: missense variant.
Genome position (GRCh38, 1-based): chr1:99,884,197, A>G. VCF-style: chr1-99884197-A-G. GRCh37 (hg19) VCF-style: chr1-100349753-A-G.
Other names: c.2386A>G, p.Ile796Val (NM_000028.3, NM_000643.3, NM_000644.3 and 2 more transcripts); c.2338A>G, p.Ile780Val (NM_000646.3); c.2185A>G, p.Ile729Val (NM_001425327.1); c.2182A>G, p.Ile728Val (NM_001425328.1, NM_001425329.1); c.2008A>G, p.Ile670Val (NM_001425332.1); short protein forms I780V, I796V, I670V, I728V, I729V.
Identifiers: ClinVar variation 945863 (VCV000945863.10), dbSNP rs754127029, ClinGen allele CA966778.